The following is an entry in ClinVar:

ClinVar aggregate classification (germline): Conflicting classifications of pathogenicity. Review status: criteria provided, conflicting classifications (1 of 4 stars). 3 submissions from 3 submitters: Uncertain significance (2); Likely benign (1). Last evaluated 2025-11-03.

Conditions:
Periodic fever-infantile enterocolitis-autoinflammatory syndrome. Also called: Autoinflammation with infantile enterocolitis. Identifiers: Orphanet 436166, MedGen C4015067, MONDO:0014472, OMIM 616050.
Familial cold autoinflammatory syndrome 4 (FCAS4). Identifiers: Orphanet 47045, Orphanet 576349, MedGen C4015276, MONDO:0014498, OMIM 616115.
Inborn genetic diseases. Identifiers: MedGen C0950123, MeSH D030342.

Allele frequency attached by ClinVar (database versions not stated): gnomAD 0.00001; TOPMed 0.00002; ExAC 0.00003.
gnomAD v4.1: 89 of 1,613,916 alleles (0.0055%); highest among the groups gnomAD compares: Non-Finnish European, 0.0073%; no homozygotes.

Submissions (3):

Ambry Genetics
Classification: Uncertain significance for Inborn genetic diseases. Last evaluated: 2025-11-03. Review status: criteria provided, single submitter. Criteria: Ambry Variant Classification Scheme 2023. Collection method: clinical testing. Allele origin: germline.

Labcorp Genetics (formerly Invitae), Labcorp
Classification: Uncertain significance for Periodic fever-infantile enterocolitis-autoinflammatory syndrome; Familial cold autoinflammatory syndrome 4. Last evaluated: 2025-09-28. Review status: criteria provided, single submitter. Criteria: Invitae Variant Classification Sherloc (09022015). Collection method: clinical testing. Allele origin: germline.
Comment: This sequence change replaces alanine, which is neutral and non-polar, with valine, which is neutral and non-polar, at codon 307 of the NLRC4 protein (p.Ala307Val). This variant is present in population databases (rs772722347, gnomAD 0.004%). This variant has not been reported in the literature in individuals affected with NLRC4-related conditions. ClinVar contains an entry for this variant (Variation ID: 2175167). Invitae Evidence Modeling of protein sequence and biophysical properties (such as structural, functional, and spatial information, amino acid conservation, physicochemical variation, residue mobility, and thermodynamic stability) indicates that this missense variant is not expected to disrupt NLRC4 protein function with a negative predictive value of 80%. In summary, the available evidence is currently insufficient to determine the role of this variant in disease. Therefore, it has been classified as a Variant of Uncertain Significance.

Blueprint Genetics
Classification: Likely benign. Last evaluated: 2020-08-31. Review status: criteria provided, single submitter. Criteria: ACMG Guidelines, 2015. Collection method: clinical testing. Allele origin: germline.

NM_001199138.2(NLRC4):c.920C>T (p.Ala307Val)

Gene: NLRC4 (NLR family CARD domain containing 4; minus strand). Cytogenetic location: 2p22.3.
Variant type: single nucleotide variant.
Coding change: c.920C>T on transcript NM_001199138.2 (MANE Select); coding-DNA position 920, C replaced by T.
Protein change: p.Ala307Val; replaces alanine 307 with valine.
Molecular consequence: missense variant. On other transcripts: intron variant (1).
Genome position (GRCh38, 1-based): chr2:32,250,944, G>A on the plus strand (C>T on the coding strand, the complement: NLRC4 is on the minus strand). VCF-style: chr2-32250944-G-A. GRCh37 (hg19) VCF-style: chr2-32476013-G-A.
Other names: c.920C>T, p.Ala307Val (NM_001199139.2, NM_021209.5); c.262+1475C>T (NM_001302504.1); short protein forms A307V.
Identifiers: ClinVar variation 2175167 (VCV002175167.6), dbSNP rs772722347, ClinGen allele CA1602061.
Genomic context (GRCh38, chr2:32,250,944, plus strand): 5'-TTCTGAATTTGGAGCAACAAGCCTTCAGCAAGCTCCTTGATCAGCACTTCTCGGATGAGA[G>A]CCTGGGCGCTGTCTTCTGTCATATCCCCCACCTCAGCAGTCAGGGCACCAAACTGCCGTA-3'
Protein context (NP_001186067.1, residues 297-317): VGDMTEDSAQ[Ala307Val]LIREVLIKEL